The following is an entry in ClinVar:

NM_001144967.3(NEDD4L):c.134T>C (p.Val45Ala)

Gene: NEDD4L (NEDD4 like E3 ubiquitin protein ligase; plus strand). Cytogenetic location: 18q21.31.
Variant type: single nucleotide variant.
Coding change: c.134T>C on transcript NM_001144967.3 (MANE Select); coding-DNA position 134, T replaced by C.
Protein change: p.Val45Ala; replaces valine 45 with alanine.
Molecular consequence: missense variant. On other transcripts: 5 prime UTR variant (5).
Genome position (GRCh38, 1-based): chr18:58,245,438, T>C. VCF-style: chr18-58245438-T-C. GRCh37 (hg19) VCF-style: chr18-55912670-T-C.
Other names: c.-230T>C (NM_001144964.1, NM_001144965.2, NM_001144966.3 and 2 more transcripts); c.110T>C, p.Val37Ala (NM_001144968.2, NM_001144969.2); c.134T>C, p.Val45Ala (NM_001243960.2, NM_015277.6); short protein forms V45A, V37A.
Identifiers: ClinVar variation 2783948 (VCV002783948.3), dbSNP rs2513448404, ClinGen allele CA402715586.

ClinVar aggregate classification (germline): Uncertain significance (1 of 4 stars; one submission).

Allele frequency attached by ClinVar (database versions not stated): gnomAD exomes below 0.00001.
gnomAD v4.1: 1 of 1,545,764 alleles (0.000065%); highest among the groups gnomAD compares: Non-Finnish European, 0.000089%; no homozygotes.

Submission:

Labcorp Genetics (formerly Invitae), Labcorp
Classification: Uncertain significance. Last evaluated: 2023-03-30. Review status: criteria provided, single submitter. Criteria: Invitae Variant Classification Sherloc (09022015). Collection method: clinical testing. Allele origin: germline.
Comment: In summary, the available evidence is currently insufficient to determine the role of this variant in disease. Therefore, it has been classified as a Variant of Uncertain Significance. Advanced modeling of protein sequence and biophysical properties (such as structural, functional, and spatial information, amino acid conservation, physicochemical variation, residue mobility, and thermodynamic stability) performed at Invitae indicates that this missense variant is not expected to disrupt NEDD4L protein function. This variant has not been reported in the literature in individuals affected with NEDD4L-related conditions. This variant is not present in population databases (gnomAD no frequency). This sequence change replaces valine, which is neutral and non-polar, with alanine, which is neutral and non-polar, at codon 45 of the NEDD4L protein (p.Val45Ala).